The following is an entry in ClinVar:

ClinVar aggregate classification (germline): Uncertain significance. Review status: criteria provided, multiple submitters, no conflicts (2 of 4 stars). 4 submissions from 4 submitters: Uncertain significance (3). 1 of the submissions does not count toward it. Last evaluated 2026-07-13.

Conditions:
Autosomal recessive nonsyndromic hearing loss 3. Also called: NEUROSENSORY NONSYNDROMIC RECESSIVE DEAFNESS 3. Identifiers: Orphanet 90636, MedGen C1838263, MONDO:0010860, OMIM 600316.

Allele frequency attached by ClinVar (database versions not stated): ExAC below 0.00001; TOPMed 0.00006; gnomAD 0.00008 and 0.00010.
gnomAD v4.1: 97 of 1,552,672 alleles (0.0062%); highest among the groups gnomAD compares: African/African-American, 0.0082%; no homozygotes.

Submissions (4):

GeneDx
Classification: Uncertain significance. Last evaluated: 2026-07-13. Review status: criteria provided, single submitter. Criteria: GeneDx Variant Classification Process June 2021. Collection method: clinical testing. Allele origin: germline.
Comment: In silico analysis supports that this missense variant has a deleterious effect on protein structure/function; This variant is associated with the following publications: (PMID: 40998904)

Blueprint Genetics
Classification: Uncertain significance. Last evaluated: 2024-10-24. Review status: criteria provided, single submitter. Criteria: ACMG Guidelines, 2015. Collection method: clinical testing. Allele origin: germline.

Labcorp Genetics (formerly Invitae), Labcorp
Classification: Uncertain significance. Last evaluated: 2024-04-18. Review status: criteria provided, single submitter. Criteria: Invitae Variant Classification Sherloc (09022015). Collection method: clinical testing. Allele origin: germline.
Comment: This sequence change replaces threonine, which is neutral and polar, with methionine, which is neutral and non-polar, at codon 2243 of the MYO15A protein (p.Thr2243Met). This variant is present in population databases (rs753611930, gnomAD 0.01%). This variant has not been reported in the literature in individuals affected with MYO15A-related conditions. ClinVar contains an entry for this variant (Variation ID: 438713). Advanced modeling of protein sequence and biophysical properties (such as structural, functional, and spatial information, amino acid conservation, physicochemical variation, residue mobility, and thermodynamic stability) has been performed at Invitae for this missense variant, however the output from this modeling did not meet the statistical confidence thresholds required to predict the impact of this variant on MYO15A protein function. In summary, the available evidence is currently insufficient to determine the role of this variant in disease. Therefore, it has been classified as a Variant of Uncertain Significance.

Bioscientia Institut fuer Medizinische Diagnostik GmbH, Sonic Healthcare
Classification: Uncertain significance for Autosomal recessive nonsyndromic hearing loss 3. Last evaluated: 2017-04-20. Review status: no assertion criteria provided. Collection method: clinical testing. Allele origin: germline. Affected: yes. Not counted in ClinVar's aggregate classification.

NM_016239.4(MYO15A):c.6728C>T (p.Thr2243Met)

Gene: MYO15A (myosin XVA; plus strand). Cytogenetic location: 17p11.2.
Variant type: single nucleotide variant.
Coding change: c.6728C>T on transcript NM_016239.4 (MANE Select); coding-DNA position 6728, C replaced by T.
Protein change: p.Thr2243Met; replaces threonine 2243 with methionine.
Molecular consequence: missense variant.
Genome position (GRCh38, 1-based): chr17:18,148,532, C>T. VCF-style: chr17-18148532-C-T. GRCh37 (hg19) VCF-style: chr17-18051846-C-T.
Other names: short protein forms T2243M.
Identifiers: ClinVar variation 438713 (VCV000438713.12), dbSNP rs753611930, ClinGen allele CA8424670.